The following is an entry in ClinVar:

NM_002878.4(RAD51D):c.576+2_576+5inv

Genes: RAD51L3-RFFL (RAD51L3-RFFL readthrough; minus strand), RAD51D (RAD51 paralog D; minus strand). Cytogenetic location: 17q12.
Variant type: Inversion.
Coding change: c.576+2_576+5inv on transcript NM_002878.4 (MANE Select).
Molecular consequence: splice donor variant.
Genome position: GRCh38 VCF-style: chr17-35106381-CTCA-TGAG. GRCh37 (hg19) VCF-style: chr17-33433400-CTCA-TGAG.
Other names: c.240+2_240+5inv (NM_133629.3); c.636+2_636+5inv (NM_001142571.2).
Identifiers: ClinVar variation 4149906 (VCV004149906.1).

ClinVar aggregate classification (germline): Uncertain significance (1 of 4 stars; one submission).

Conditions:
Hereditary cancer-predisposing syndrome. Also called: Hereditary neoplastic syndrome; Neoplastic Syndromes, Hereditary; Tumor predisposition; Hereditary Cancer Syndrome. Identifiers: Orphanet 140162, MedGen C0027672, MeSH D009386, MONDO:0015356.

Submission:

Ambry Genetics
Classification: Uncertain significance for Hereditary cancer-predisposing syndrome. Last evaluated: 2025-06-30. Review status: criteria provided, single submitter. Criteria: Ambry Variant Classification Scheme 2023. Collection method: clinical testing. Allele origin: germline.
Comment: The c.576+2_576+5delTGAGinsCTCA variant results from a deletion of 4 nucleotides and insertion of 4 nucleotides at positions c.576+2 to c.576+5 and involves the canonical splice donor site after coding exon 6 of the RAD51D gene. The canonical splice donor site is well conserved in available vertebrate species. In silico splice site analysis predicts that this alteration will weaken the native splice donor site. The resulting transcript is predicted to be in-frame and is not expected to trigger nonsense-mediated mRNA decay, and the exact functional effect of the altered amino acid sequence is unknown. Based on the available evidence, the clinical significance of this alteration remains unclear.